The following is an entry in ClinVar:

ClinVar aggregate classification (germline): Pathogenic. Review status: criteria provided, multiple submitters, no conflicts (2 of 4 stars). 2 submissions from 2 submitters: Pathogenic (2). Last evaluated 2025-03-04.

Conditions:
Breast-ovarian cancer, familial, susceptibility to, 4. Identifiers: Orphanet 145, MedGen C3280345, MONDO:0013669, OMIM 614291.

Submissions (2):

Labcorp Genetics (formerly Invitae), Labcorp
Classification: Pathogenic for Breast-ovarian cancer, familial, susceptibility to, 4. Last evaluated: 2025-03-04. Review status: criteria provided, single submitter. Criteria: Invitae Variant Classification Sherloc (09022015). Collection method: clinical testing. Allele origin: germline.
Comment: This sequence change creates a premature translational stop signal (p.Gln229*) in the RAD51D gene. It is expected to result in an absent or disrupted protein product. Loss-of-function variants in RAD51D are known to be pathogenic (PMID: 21822267). This variant is not present in population databases (gnomAD no frequency). This variant has not been reported in the literature in individuals affected with RAD51D-related conditions. ClinVar contains an entry for this variant (Variation ID: 539851). Algorithms developed to predict the effect of sequence changes on RNA splicing suggest that this variant may disrupt the consensus splice site. For these reasons, this variant has been classified as Pathogenic.

Myriad Genetics, Inc.
Classification: Pathogenic for Breast-ovarian cancer, familial, susceptibility to, 4. Last evaluated: 2024-01-04. Review status: criteria provided, single submitter. Criteria: Myriad Autosomal Dominant, Autosomal Recessive and X-Linked Classification Criteria (2023). Collection method: clinical testing. Allele origin: unknown.
Comment: This variant is considered pathogenic. This variant creates a termination codon and is predicted to result in premature protein truncation.

Literature cited by the submitters: PubMed 21822267 (cited by Labcorp Genetics (formerly Invitae), Labcorp).

NM_002878.4(RAD51D):c.685C>T (p.Gln229Ter)

Genes: RAD51D (RAD51 paralog D; minus strand), RAD51L3-RFFL (RAD51L3-RFFL readthrough; minus strand). Cytogenetic location: 17q12.
Variant type: single nucleotide variant.
Coding change: c.685C>T on transcript NM_002878.4 (MANE Select); coding-DNA position 685, C replaced by T.
Protein change: p.Gln229Ter; replaces glutamine 229 with a stop codon.
Molecular consequence: nonsense. On other transcripts: non-coding transcript variant (3).
Genome position (GRCh38, 1-based): chr17:35,103,307, G>A on the plus strand (C>T on the coding strand, the complement: RAD51D is on the minus strand). VCF-style: chr17-35103307-G-A. GRCh37 (hg19) VCF-style: chr17-33430326-G-A.
Other names: c.745C>T, p.Gln249Ter (NM_001142571.2); c.349C>T, p.Gln117Ter (NM_133629.3); short protein forms Q229*, Q117*, Q249*.
Identifiers: ClinVar variation 539851 (VCV000539851.6), dbSNP rs1555567529, ClinGen allele CA399087718.